The following is an entry in ClinVar:

ClinVar aggregate classification (germline): Uncertain significance. Review status: criteria provided, multiple submitters, no conflicts (2 of 4 stars). 2 submissions from 2 submitters: Uncertain significance (2). Last evaluated 2022-10-27.

Conditions:
Hereditary cancer-predisposing syndrome. Also called: Tumor predisposition; Hereditary Cancer Syndrome; Neoplastic Syndromes, Hereditary; Hereditary neoplastic syndrome. Identifiers: Orphanet 140162, MedGen C0027672, MeSH D009386, MONDO:0015356.
Familial cancer of breast. Also called: BREAST CANCER, FAMILIAL; Hereditary breast cancer; hereditary breast carcinoma. Identifiers: Orphanet 227535, MedGen C0346153, MONDO:0016419, OMIM 114480. Disease mechanism: loss of function.

Submissions (2):

Labcorp Genetics (formerly Invitae), Labcorp
Classification: Uncertain significance for Familial cancer of breast. Last evaluated: 2022-10-27. Review status: criteria provided, single submitter. Criteria: Invitae Variant Classification Sherloc (09022015). Collection method: clinical testing. Allele origin: germline.
Comment: In summary, the available evidence is currently insufficient to determine the role of this variant in disease. Therefore, it has been classified as a Variant of Uncertain Significance. Advanced modeling of protein sequence and biophysical properties (such as structural, functional, and spatial information, amino acid conservation, physicochemical variation, residue mobility, and thermodynamic stability) performed at Invitae indicates that this missense variant is expected to disrupt PALB2 protein function. ClinVar contains an entry for this variant (Variation ID: 822650). This variant has not been reported in the literature in individuals affected with PALB2-related conditions. This variant is not present in population databases (gnomAD no frequency). This sequence change replaces glutamic acid, which is acidic and polar, with alanine, which is neutral and non-polar, at codon 1010 of the PALB2 protein (p.Glu1010Ala).

Ambry Genetics
Classification: Uncertain significance for Hereditary cancer-predisposing syndrome. Last evaluated: 2019-11-01. Review status: criteria provided, single submitter. Criteria: Ambry Variant Classification Scheme 2023. Collection method: clinical testing. Allele origin: germline.
Comment: The p.E1010A variant (also known as c.3029A>C), located in coding exon 10 of the PALB2 gene, results from an A to C substitution at nucleotide position 3029. The glutamic acid at codon 1010 is replaced by alanine, an amino acid with dissimilar properties. This amino acid position is well conserved in available vertebrate species. In addition, this alteration is predicted to be tolerated by in silico analysis. Since supporting evidence is limited at this time, the clinical significance of this alteration remains unclear.

NM_024675.4(PALB2):c.3029A>C (p.Glu1010Ala)

Gene: PALB2 (partner and localizer of BRCA2; minus strand). Cytogenetic location: 16p12.2.
Variant type: single nucleotide variant.
Coding change: c.3029A>C on transcript NM_024675.4 (MANE Select); coding-DNA position 3029, A replaced by C.
Protein change: p.Glu1010Ala; replaces glutamic acid 1010 with alanine.
Molecular consequence: missense variant.
Genome position (GRCh38, 1-based): chr16:23,621,446, T>G on the plus strand (A>C on the coding strand, the complement: PALB2 is on the minus strand). VCF-style: chr16-23621446-T-G. GRCh37 (hg19) VCF-style: chr16-23632767-T-G.
Other names: short protein forms E1010A.
Identifiers: ClinVar variation 822650 (VCV000822650.15), dbSNP rs1228569190, ClinGen allele CA395143092.